The following is an entry in ClinVar:

ClinVar aggregate classification (germline): Likely benign (1 of 4 stars; one submission).

Allele frequency attached by ClinVar (database versions not stated): 1000 Genomes Project 30x 0.00016; 1000 Genomes Project 0.00020; ExAC 0.00105; gnomAD 0.00113; ESP Exome Variant Server 0.00115; TOPMed 0.00120; gnomAD exomes 0.00169.

Submission:

CeGaT Center for Human Genetics Tuebingen
Classification: Likely benign. Last evaluated: 2024-03-01. Review status: criteria provided, single submitter. Criteria: CeGaT Center For Human Genetics Tuebingen Variant Classification Criteria Version 2. Collection method: clinical testing. Allele origin: germline. Affected: yes. Observed: 2 variant alleles.
Comment: BIRC5: BP4, BP7

NM_001168.3(BIRC5):c.315C>T (p.Asp105=)

Gene: BIRC5 (baculoviral IAP repeat containing 5; plus strand). Cytogenetic location: 17q25.3.
Variant type: single nucleotide variant.
Coding change: c.315C>T on transcript NM_001168.3 (MANE Select); coding-DNA position 315, C replaced by T.
Protein change: p.Asp105=; no amino-acid change (aspartic acid 105 retained).
Molecular consequence: synonymous variant. On other transcripts: intron variant (1).
Genome position (GRCh38, 1-based): chr17:78,216,757, C>T. VCF-style: chr17-78216757-C-T. GRCh37 (hg19) VCF-style: chr17-76212838-C-T.
Other names: c.384C>T, p.Asp128= (NM_001012271.2); c.221+1968C>T (NM_001012270.2).
Identifiers: ClinVar variation 2648338 (VCV002648338.24), dbSNP rs142377770, ClinGen allele CA8798599.